The following is an entry in ClinVar:

NM_000179.3(MSH6):c.3173-7T>C

Gene: MSH6 (mutS homolog 6; plus strand). Cytogenetic location: 2p16.3.
Variant type: single nucleotide variant.
Coding change: c.3173-7T>C on transcript NM_000179.3 (MANE Select); 7 bases into the intron before coding-DNA position 3173, T replaced by C.
Molecular consequence: intron variant.
Genome position (GRCh38, 1-based): chr2:47,803,413, T>C. VCF-style: chr2-47803413-T-C. GRCh37 (hg19) VCF-style: chr2-48030552-T-C.
Other names: c.2267-7T>C (NM_001281493.2, NM_001281494.2); c.2783-7T>C (NM_001281492.2).
Identifiers: ClinVar variation 1661045 (VCV001661045.10), dbSNP rs2104471045, ClinGen allele CA2573135024.

ClinVar aggregate classification (germline): Likely benign. Review status: criteria provided, multiple submitters, no conflicts (2 of 4 stars). 3 submissions from 3 submitters: Likely benign (3). Last evaluated 2025-03-04.

Conditions:
Hereditary nonpolyposis colorectal neoplasms. Identifiers: MedGen C0009405, MeSH D003123.
Hereditary cancer-predisposing syndrome. Also called: Tumor predisposition; Hereditary neoplastic syndrome; Neoplastic Syndromes, Hereditary; Hereditary Cancer Syndrome. Identifiers: Orphanet 140162, MedGen C0027672, MeSH D009386, MONDO:0015356.
Lynch syndrome 5 (LYNCH5). Also called: Colorectal cancer, hereditary nonpolyposis, type 5; Hereditary non-polyposis colorectal cancer, type 5. Identifiers: Orphanet 144, MedGen C1833477, MONDO:0013710, OMIM 614350. Disease mechanism: loss of function.

Submissions (3):

Color Diagnostics, LLC DBA Color Health
Classification: Likely benign for Hereditary cancer-predisposing syndrome. Last evaluated: 2025-03-04. Review status: criteria provided, single submitter. Criteria: ACMG Guidelines, 2015. Collection method: clinical testing. Allele origin: germline.

Myriad Genetics, Inc.
Classification: Likely benign for Lynch syndrome 5. Last evaluated: 2025-01-03. Review status: criteria provided, single submitter. Criteria: Myriad Autosomal Dominant, Autosomal Recessive and X-Linked Classification Criteria (2023). Collection method: clinical testing. Allele origin: unknown.
Comment: This variant is considered likely benign. This variant is intronic and is not expected to impact mRNA splicing.

Labcorp Genetics (formerly Invitae), Labcorp
Classification: Likely benign for Hereditary nonpolyposis colorectal neoplasms. Last evaluated: 2020-12-12. Review status: criteria provided, single submitter. Criteria: Invitae Variant Classification Sherloc (09022015). Collection method: clinical testing. Allele origin: germline.